The following is an entry in ClinVar:

NM_013296.5(GPSM2):c.1062+97A>G

Gene: GPSM2 (G protein signaling modulator 2; plus strand). Cytogenetic location: 1p13.3.
Variant type: single nucleotide variant.
Coding change: c.1062+97A>G on transcript NM_013296.5 (MANE Select); 97 bases into the intron after coding-DNA position 1062, A replaced by G.
Molecular consequence: intron variant.
Genome position (GRCh38, 1-based): chr1:108,903,331, A>G. VCF-style: chr1-108903331-A-G. GRCh37 (hg19) VCF-style: chr1-109445953-A-G.
Other names: c.1062+97A>G (NM_001321038.2, NM_001321039.3).
Identifiers: ClinVar variation 676964 (VCV000676964.2), dbSNP rs9662522, ClinGen allele CA28597145.

ClinVar aggregate classification (germline): Benign. Review status: criteria provided, multiple submitters, no conflicts (2 of 4 stars). 2 submissions from 2 submitters: Benign (2). Last evaluated 2018-06-16.

Allele frequency attached by ClinVar (database versions not stated): gnomAD exomes 0.00307; gnomAD 0.02484 and 0.02666; TOPMed 0.02795; 1000 Genomes Project 0.03015; 1000 Genomes Project 30x 0.03123.
gnomAD v4.1: 5,558 of 710,522 alleles (0.78%); highest among the groups gnomAD compares: African/African-American, 8.5%; 215 homozygotes.

Submissions (2):

GeneDx
Classification: Benign. Last evaluated: 2018-06-16. Review status: criteria provided, single submitter. Criteria: GeneDx Variant Classification (06012015). Collection method: clinical testing. Allele origin: germline. Affected: yes.
Comment: This variant is considered likely benign or benign based on one or more of the following criteria: it is a conservative change, it occurs at a poorly conserved position in the protein, it is predicted to be benign by multiple in silico algorithms, and/or has population frequency not consistent with disease.

Breakthrough Genomics
Classification: Benign. Review status: criteria provided, single submitter. Criteria: ACMG Guidelines, 2015. Collection method: not provided. Allele origin: germline. Inheritance: Autosomal recessive inheritance. Affected: yes.